The following is an entry in ClinVar:

ClinVar aggregate classification (germline): Likely benign (1 of 4 stars; one submission).

gnomAD v4.1: 405 of 152,304 alleles (0.27%); highest among the groups gnomAD compares: Non-Finnish European, 0.48%; 1 homozygote.

Submission:

CeGaT Center for Human Genetics Tuebingen
Classification: Likely benign. Last evaluated: 2026-09-01. Review status: criteria provided, single submitter. Criteria: CeGaT Center For Human Genetics Tuebingen Variant Classification Criteria Version 2. Collection method: clinical testing. Allele origin: germline. Affected: yes. Observed: 7 variant alleles.
Comment: FBN2: BS1

NM_001999.4(FBN2):c.2095+1680T>C

Gene: FBN2 (fibrillin 2; minus strand). Cytogenetic location: 5q23.3.
Variant type: single nucleotide variant.
Coding change: c.2095+1680T>C on transcript NM_001999.4 (MANE Select); 1680 bases into the intron after coding-DNA position 2095, T replaced by C.
Molecular consequence: intron variant.
Genome position (GRCh38, 1-based): chr5:128,372,948, A>G on the plus strand (T>C on the coding strand, the complement: FBN2 is on the minus strand). VCF-style: chr5-128372948-A-G. GRCh37 (hg19) VCF-style: chr5-127708641-A-G.
Identifiers: ClinVar variation 3905687 (VCV003905687.10).